The following is an entry in ClinVar:

ClinVar aggregate classification (germline): Pathogenic (0 of 4 stars; one submission).

Conditions:
Mucolipidosis type II. Also called: Mucolipidosis 2; ML 2; Inclusion cell disease; Leroy Disease; N-acetylglucosamine 1phosphotransferase deficiency; ML disorder type 2. Identifiers: Orphanet 576, MedGen C2673377, MONDO:0009650, OMIM 252500.

Submission:

GeneReviews
Classification: Pathogenic for Mucolipidosis III Alpha/Beta. Last evaluated: 2012-05-10. Review status: no assertion criteria provided. Collection method: curation. Allele origin: unknown.
ClinVar note: Converted during submission from pathologic to Pathogenic.

NM_024312.5(GNPTAB):c.3252del (p.Pro1085fs)

Gene: GNPTAB (N-acetylglucosamine-1-phosphate transferase subunits alpha and beta; minus strand). Cytogenetic location: 12q23.2.
Variant type: Deletion.
Coding change: c.3252del on transcript NM_024312.5 (MANE Select); coding-DNA position 3252, one base deleted (A; older notation c.3252delA).
Protein change: p.Pro1085fs; shifts the reading frame from proline 1085.
Molecular consequence: frameshift variant.
Genome position (GRCh38, 1-based): chr12:101,757,655, T deleted on the plus strand (A on the coding strand, the reverse complement: GNPTAB is on the minus strand). VCF-style (leftmost placement, unchanged base first): chr12-101757654-GT-G. GRCh37 (hg19) VCF-style: chr12-102151432-GT-G.
Other names: AY687932:c.3252delA; short protein forms P1085fs.
Identifiers: ClinVar variation 38425 (VCV000038425.3), dbSNP rs281865035, ClinGen allele CA343077.